The following is an entry in ClinVar:

NM_000545.8(HNF1A):c.1819C>T (p.Gln607Ter)

Genes: C12orf43 (chromosome 12 open reading frame 43; minus strand), HNF1A (HNF1 homeobox A; plus strand). Cytogenetic location: 12q24.31.
Variant type: single nucleotide variant.
Coding change: c.1819C>T on transcript NM_000545.8 (MANE Select); coding-DNA position 1819, C replaced by T.
Protein change: p.Gln607Ter; replaces glutamine 607 with a stop codon.
Molecular consequence: nonsense. On other transcripts: 3 prime UTR variant (3).
Genome position (GRCh38, 1-based): chr12:121,001,115, C>T. VCF-style: chr12-121001115-C-T. GRCh37 (hg19) VCF-style: chr12-121438918-C-T.
Other names: c.*3038G>A (NM_001286191.2, NM_001286196.2, NM_022895.3); c.1840C>T, p.Gln614Ter (NM_001306179.2); c.1627C>T, p.Gln543Ter (NM_001406915.1); short protein forms Q607*, Q543*, Q614*.
Identifiers: ClinVar variation 3673260 (VCV003673260.2).

ClinVar aggregate classification (germline): Pathogenic (1 of 4 stars; one submission).

gnomAD v4.1: 5 of 1,614,040 alleles (0.00031%); highest among the groups gnomAD compares: Non-Finnish European, 0.00042%; no homozygotes.

Submission:

Labcorp Genetics (formerly Invitae), Labcorp
Classification: Pathogenic. Last evaluated: 2025-01-15. Review status: criteria provided, single submitter. Criteria: Invitae Variant Classification Sherloc (09022015). Collection method: clinical testing. Allele origin: germline.
Comment: This sequence change creates a premature translational stop signal (p.Gln607*) in the HNF1A gene. While this is not anticipated to result in nonsense mediated decay, it is expected to disrupt the last 25 amino acid(s) of the HNF1A protein. This variant is not present in population databases (gnomAD no frequency). This variant has not been reported in the literature in individuals affected with HNF1A-related conditions. Experimental studies and prediction algorithms are not available or were not evaluated, and the functional significance of this variant is currently unknown. Algorithms developed to predict the effect of sequence changes on RNA splicing suggest that this variant may disrupt the consensus splice site. This variant disrupts a region of the HNF1A protein in which other variant(s) (p.Glu619Lys) have been determined to be pathogenic (PMID: 9626139, 33046911). This suggests that this is a clinically significant region of the protein, and that variants that disrupt it are likely to be disease-causing. For these reasons, this variant has been classified as Pathogenic.

Literature cited by the submitters: PubMed 9626139; PubMed 33046911.